The following is an entry in ClinVar:

ClinVar aggregate classification (germline): Uncertain significance (1 of 4 stars; one submission).

gnomAD v4.1: 58 of 1,613,882 alleles (0.0036%); highest among the groups gnomAD compares: Middle Eastern, 0.016%; 2 homozygotes.

Submission:

Labcorp Genetics (formerly Invitae), Labcorp
Classification: Uncertain significance. Last evaluated: 2025-03-04. Review status: criteria provided, single submitter. Criteria: Invitae Variant Classification Sherloc (09022015). Collection method: clinical testing. Allele origin: germline.
Comment: This sequence change replaces isoleucine, which is neutral and non-polar, with valine, which is neutral and non-polar, at codon 1121 of the ANLN protein (p.Ile1121Val). This variant is present in population databases (no rsID available, gnomAD 0.002%). This variant has not been reported in the literature in individuals affected with ANLN-related conditions. An algorithm developed to predict the effect of missense changes on protein structure and function outputs the following: PolyPhen-2: "Benign". The valine amino acid residue is found in multiple mammalian species, which suggests that this missense change does not adversely affect protein function. In summary, the available evidence is currently insufficient to determine the role of this variant in disease. Therefore, it has been classified as a Variant of Uncertain Significance.

NM_018685.5(ANLN):c.3361A>G (p.Ile1121Val)

Gene: ANLN (anillin, actin binding protein; plus strand). Cytogenetic location: 7p14.2.
Variant type: single nucleotide variant.
Coding change: c.3361A>G on transcript NM_018685.5 (MANE Select); coding-DNA position 3361, A replaced by G.
Protein change: p.Ile1121Val; replaces isoleucine 1121 with valine.
Molecular consequence: missense variant.
Genome position (GRCh38, 1-based): chr7:36,452,586, A>G. VCF-style: chr7-36452586-A-G. GRCh37 (hg19) VCF-style: chr7-36492195-A-G.
Other names: c.3250A>G, p.Ile1084Val (NM_001284301.3); c.3247A>G, p.Ile1083Val (NM_001284302.3); short protein forms I1083V, I1121V, I1084V.
Identifiers: ClinVar variation 4751634 (VCV004751634.1).
Genomic context (GRCh38, chr7:36,452,586, plus strand): 5'-AAACTCAATCAAGTTCTTGTTGATATTCGCCTCTGGCAACCTGATGCTTGCTACAAACCT[A>G]TTGGAAAGCCTTAAACCGGGAAATTTCCATGCTATCTAGAGGTTTTTGATGTCATCTTAA-3'
Protein context (NP_061155.2, residues 1111-1124): LWQPDACYKP[Ile1121Val]GKP